The following is an entry in ClinVar:

ClinVar aggregate classification (germline): Uncertain significance (1 of 4 stars; one submission).

Submission:

GeneDx
Classification: Uncertain significance. Last evaluated: 2026-03-30. Review status: criteria provided, single submitter. Criteria: GeneDx Variant Classification Process June 2021. Collection method: clinical testing. Allele origin: germline.
Comment: Not observed at significant frequency in large population cohorts (gnomAD); In silico analysis supports a deleterious effect on splicing; In silico analysis supports that this missense variant has a deleterious effect on protein structure/function; Has not been previously published as pathogenic or benign to our knowledge

NM_004766.3(COPB2):c.890T>G (p.Val297Gly)

Gene: COPB2 (coat protein complex I subunit beta 2; minus strand). Cytogenetic location: 3q23.
Variant type: single nucleotide variant.
Coding change: c.890T>G on transcript NM_004766.3 (MANE Select); coding-DNA position 890, T replaced by G.
Protein change: p.Val297Gly; replaces valine 297 with glycine.
Molecular consequence: missense variant. On other transcripts: non-coding transcript variant (1).
Genome position (GRCh38, 1-based): chr3:139,373,670, A>C on the plus strand (T>G on the coding strand, the complement: COPB2 is on the minus strand). VCF-style: chr3-139373670-A-C. GRCh37 (hg19) VCF-style: chr3-139092512-A-C.
Other names: c.803T>G, p.Val268Gly (NM_001410834.1); short protein forms V268G, V297G.
Identifiers: ClinVar variation 5017619 (VCV005017619.1).